The following is an entry in ClinVar:

NM_015072.5(TTLL5):c.1339C>G (p.Arg447Gly)

Gene: TTLL5 (tubulin tyrosine ligase like 5; plus strand). Cytogenetic location: 14q24.3.
Variant type: single nucleotide variant.
Coding change: c.1339C>G on transcript NM_015072.5 (MANE Select); coding-DNA position 1339, C replaced by G.
Protein change: p.Arg447Gly; replaces arginine 447 with glycine.
Molecular consequence: missense variant.
Genome position (GRCh38, 1-based): chr14:75,745,152, C>G. VCF-style: chr14-75745152-C-G. GRCh37 (hg19) VCF-style: chr14-76211495-C-G.
Other names: short protein forms R447G.
Identifiers: ClinVar variation 1380548 (VCV001380548.3), dbSNP rs139653147, ClinGen allele CA7279354.

ClinVar aggregate classification (germline): Uncertain significance (1 of 4 stars; one submission).

Allele frequency attached by ClinVar (database versions not stated): ESP Exome Variant Server 0.00008.
gnomAD v4.1: 13 of 1,613,776 alleles (0.00081%); highest among the groups gnomAD compares: African/African-American, 0.004%; no homozygotes.

Submission:

Labcorp Genetics (formerly Invitae), Labcorp
Classification: Uncertain significance. Last evaluated: 2022-04-06. Review status: criteria provided, single submitter. Criteria: Invitae Variant Classification Sherloc (09022015). Collection method: clinical testing. Allele origin: germline.
Comment: This sequence change replaces arginine, which is basic and polar, with glycine, which is neutral and non-polar, at codon 447 of the TTLL5 protein (p.Arg447Gly). This variant is present in population databases (rs139653147, gnomAD 0.008%). This variant has not been reported in the literature in individuals affected with TTLL5-related conditions. Algorithms developed to predict the effect of missense changes on protein structure and function (SIFT, PolyPhen-2, Align-GVGD) all suggest that this variant is likely to be tolerated. In summary, the available evidence is currently insufficient to determine the role of this variant in disease. Therefore, it has been classified as a Variant of Uncertain Significance.